The following is an entry in ClinVar:

NM_006904.7(PRKDC):c.5693A>G (p.Gln1898Arg)

Gene: PRKDC (protein kinase, DNA-activated, catalytic subunit; minus strand). Cytogenetic location: 8q11.21.
Variant type: single nucleotide variant.
Coding change: c.5693A>G on transcript NM_006904.7 (MANE Select); coding-DNA position 5693, A replaced by G.
Protein change: p.Gln1898Arg; replaces glutamine 1898 with arginine.
Molecular consequence: missense variant.
Genome position (GRCh38, 1-based): chr8:47,863,456, T>C on the plus strand (A>G on the coding strand, the complement: PRKDC is on the minus strand). VCF-style: chr8-47863456-T-C. GRCh37 (hg19) VCF-style: chr8-48776017-T-C.
Other names: c.5693A>G, p.Gln1898Arg (NM_001081640.2); short protein forms Q1898R.
Identifiers: ClinVar variation 1749094 (VCV001749094.2), dbSNP rs757075989, ClinGen allele CA4740587.

ClinVar aggregate classification (germline): Uncertain significance (1 of 4 stars; one submission).

Allele frequency attached by ClinVar (database versions not stated): gnomAD exomes below 0.00001; ExAC 0.00001.
gnomAD v4.1: 1 of 1,612,582 alleles (0.000062%); highest among the groups gnomAD compares: South Asian, 0.0011%; no homozygotes.

Submission:

Ambry Genetics
Classification: Uncertain significance. Last evaluated: 2022-09-20. Review status: criteria provided, single submitter. Criteria: Ambry Variant Classification Scheme 2023. Collection method: clinical testing. Allele origin: germline.
Comment: The p.Q1898R variant (also known as c.5693A>G), located in coding exon 42 of the PRKDC gene, results from an A to G substitution at nucleotide position 5693. The glutamine at codon 1898 is replaced by arginine, an amino acid with highly similar properties. This amino acid position is conserved. Since supporting evidence is limited at this time, the clinical significance of this alteration remains unclear.